The following is an entry in ClinVar:

ClinVar aggregate classification (germline): Conflicting classifications of pathogenicity. Review status: criteria provided, conflicting classifications (1 of 4 stars). 3 submissions from 3 submitters: Uncertain significance (1); Likely benign (2). Last evaluated 2024-09-20.

Conditions:
Autosomal recessive congenital ichthyosis 10 (ARCI10). Identifiers: Orphanet 79394, MedGen C3554355, MONDO:0014011, OMIM 615024.

Allele frequency attached by ClinVar (database versions not stated): TOPMed 0.00003.
gnomAD v4.1: 41 of 1,614,072 alleles (0.0025%); highest among the groups gnomAD compares: East Asian, 0.016%; no homozygotes.

Submissions (3):

3billion
Classification: Likely benign for Autosomal recessive congenital ichthyosis 10. Last evaluated: 2024-09-20. Review status: criteria provided, single submitter. Criteria: ACMG Guidelines, 2015. Collection method: clinical testing. Allele origin: germline. Affected: no.
Comment: The homozygous variant was found in patients diagnosed with another variant in a different gene, with no symptoms related to the gene containing the homozygous variant.

Blueprint Genetics
Classification: Likely benign. Last evaluated: 2024-01-09. Review status: criteria provided, single submitter. Criteria: ACMG Guidelines, 2015. Collection method: clinical testing. Allele origin: germline.

Illumina Laboratory Services, Illumina
Classification: Uncertain significance for Autosomal recessive congenital ichthyosis 10. Last evaluated: 2018-01-13. Review status: criteria provided, single submitter. Criteria: ICSL Variant Classification Criteria 13 December 2019. Collection method: clinical testing. Allele origin: germline.

NM_001374623.1(PNPLA1):c.555C>T (p.Thr185=)

Gene: PNPLA1 (patatin like domain 1, omega-hydroxyceramide transacylase; plus strand). Cytogenetic location: 6p21.31.
Variant type: single nucleotide variant.
Coding change: c.555C>T on transcript NM_001374623.1 (MANE Select); coding-DNA position 555, C replaced by T.
Protein change: p.Thr185=; no amino-acid change (threonine 185 retained).
Molecular consequence: synonymous variant.
Genome position (GRCh38, 1-based): chr6:36,294,240, C>T. VCF-style: chr6-36294240-C-T. GRCh37 (hg19) VCF-style: chr6-36262017-C-T.
Other names: c.297C>T, p.Thr99= (NM_001145716.2); c.555C>T, p.Thr185= (NM_001145717.1); c.270C>T, p.Thr90= (NM_173676.2).
Identifiers: ClinVar variation 905519 (VCV000905519.6), dbSNP rs748310345, ClinGen allele CA3777766.